The following is an entry in ClinVar:

NM_005751.5(AKAP9):c.7048G>C (p.Glu2350Gln)

Gene: AKAP9 (A-kinase anchoring protein 9; plus strand). Cytogenetic location: 7q21.2.
Variant type: single nucleotide variant.
Coding change: c.7048G>C on transcript NM_005751.5 (MANE Select); coding-DNA position 7048, G replaced by C.
Protein change: p.Glu2350Gln; replaces glutamic acid 2350 with glutamine.
Molecular consequence: missense variant.
Genome position (GRCh38, 1-based): chr7:92,079,181, G>C. VCF-style: chr7-92079181-G-C. GRCh37 (hg19) VCF-style: chr7-91708495-G-C.
Other names: c.1693G>C, p.Glu565Gln (NM_001379277.1); c.7024G>C, p.Glu2342Gln (NM_147185.3); c.7048G>C (NM_005751.4); short protein forms E2350Q, E565Q, E2342Q.
Identifiers: ClinVar variation 1368301 (VCV001368301.9), dbSNP rs2130860788, ClinGen allele CA368134853.
Genomic context (GRCh38, chr7:92,079,181, plus strand): 5'-CAAATAGAATGTTTGATGAGTGATCAAGAATGTGTGAAGAGAAATAGAGAAGAAGAAATA[G>C]AGCAGCTCAATGAAGTGATTGAAAAACTTCAACAGGAATTGGCAAATATTGGACAGAAGA-3'
Protein context (NP_005742.4, residues 2340-2360): CVKRNREEEI[Glu2350Gln]QLNEVIEKLQ

ClinVar aggregate classification (germline): Uncertain significance. Review status: criteria provided, multiple submitters, no conflicts (2 of 4 stars). 2 submissions from 2 submitters: Uncertain significance (2). Last evaluated 2025-07-21.

Conditions:
Cardiovascular phenotype. Identifiers: MedGen CN230736.
Long QT syndrome (LQTS). Identifiers: MedGen C0023976, MeSH D008133, MONDO:0002442. Disease mechanism: loss of function. Inheritance: Various modes of inheritance.

Allele frequency attached by ClinVar (database versions not stated): gnomAD exomes below 0.00001.
gnomAD v4.1: 1 of 1,613,958 alleles (0.000062%); highest among the groups gnomAD compares: Non-Finnish European, 0.000085%; no homozygotes.

Submissions (2):

Ambry Genetics
Classification: Uncertain significance for Cardiovascular phenotype. Last evaluated: 2025-07-21. Review status: criteria provided, single submitter. Criteria: Ambry Variant Classification Scheme 2023. Collection method: clinical testing. Allele origin: germline.
Comment: The p.E2350Q variant (also known as c.7048G>C), located in coding exon 31 of the AKAP9 gene, results from a G to C substitution at nucleotide position 7048. The glutamic acid at codon 2350 is replaced by glutamine, an amino acid with highly similar properties. This amino acid position is conserved. In addition, this alteration is predicted to be tolerated by in silico analysis. Based on the available evidence, the clinical significance of this variant remains unclear.

Labcorp Genetics (formerly Invitae), Labcorp
Classification: Uncertain significance for Long QT syndrome. Last evaluated: 2021-01-29. Review status: criteria provided, single submitter. Criteria: Invitae Variant Classification Sherloc (09022015). Collection method: clinical testing. Allele origin: germline.
Comment: In summary, the available evidence is currently insufficient to determine the role of this variant in disease. Therefore, it has been classified as a Variant of Uncertain Significance. Algorithms developed to predict the effect of missense changes on protein structure and function are either unavailable or do not agree on the potential impact of this missense change (SIFT: "Tolerated"; PolyPhen-2: "Possibly Damaging"; Align-GVGD: "Class C0"). This variant has not been reported in the literature in individuals with AKAP9-related conditions. This variant is not present in population databases (ExAC no frequency). This sequence change replaces glutamic acid with glutamine at codon 2350 of the AKAP9 protein (p.Glu2350Gln). The glutamic acid residue is moderately conserved and there is a small physicochemical difference between glutamic acid and glutamine.